The following is an entry in ClinVar:

NM_014141.6(CNTNAP2):c.1603G>A (p.Glu535Lys)

Gene: CNTNAP2 (contactin associated protein 2; plus strand). Cytogenetic location: 7q35.
Variant type: single nucleotide variant.
Coding change: c.1603G>A on transcript NM_014141.6 (MANE Select); coding-DNA position 1603, G replaced by A.
Protein change: p.Glu535Lys; replaces glutamic acid 535 with lysine.
Molecular consequence: missense variant.
Genome position (GRCh38, 1-based): chr7:147,395,713, G>A. VCF-style: chr7-147395713-G-A. GRCh37 (hg19) VCF-style: chr7-147092805-G-A.
Other names: p.E535K:GAA>AAA; short protein forms E535K.
Identifiers: ClinVar variation 193703 (VCV000193703.22), dbSNP rs76475298, ClinGen allele CA239304.

ClinVar aggregate classification (germline): Uncertain significance. Review status: criteria provided, multiple submitters, no conflicts (2 of 4 stars). 9 submissions from 9 submitters: Uncertain significance (7). 2 of the submissions do not count toward it. Last evaluated 2023-06-12.

Conditions:
Cortical dysplasia-focal epilepsy syndrome (PTHSL1). Also called: Pitt-Hopkins-like syndrome 1. Identifiers: Orphanet 163681, Orphanet 221150, MedGen C2750246, MONDO:0012400, OMIM 610042.

Allele frequency attached by ClinVar (database versions not stated): ExAC 0.00002; gnomAD 0.00002 and 0.00004; gnomAD exomes 0.00003 and 0.00006; TOPMed 0.00008; 1000 Genomes Project 30x 0.00016; 1000 Genomes Project 0.00020.
gnomAD v4.1: 88 of 1,612,474 alleles (0.0055%); highest among the groups gnomAD compares: Middle Eastern, 0.21%; no homozygotes.

Submissions (9):

Blueprint Genetics
Classification: Uncertain significance. Last evaluated: 2023-06-12. Review status: criteria provided, single submitter. Criteria: ACMG Guidelines, 2015. Collection method: clinical testing. Allele origin: germline.

Labcorp Genetics (formerly Invitae), Labcorp
Classification: Uncertain significance for Cortical dysplasia-focal epilepsy syndrome. Last evaluated: 2022-06-13. Review status: criteria provided, single submitter. Criteria: Invitae Variant Classification Sherloc (09022015). Collection method: clinical testing. Allele origin: germline.
Comment: This sequence change replaces glutamic acid, which is acidic and polar, with lysine, which is basic and polar, at codon 535 of the CNTNAP2 protein (p.Glu535Lys). This variant is present in population databases (rs76475298, gnomAD 0.01%). This variant has not been reported in the literature in individuals affected with CNTNAP2-related conditions. ClinVar contains an entry for this variant (Variation ID: 193703). Algorithms developed to predict the effect of missense changes on protein structure and function (SIFT, PolyPhen-2, Align-GVGD) all suggest that this variant is likely to be tolerated. In summary, the available evidence is currently insufficient to determine the role of this variant in disease. Therefore, it has been classified as a Variant of Uncertain Significance.

GeneDx
Classification: Uncertain significance. Last evaluated: 2020-04-14. Review status: criteria provided, single submitter. Criteria: GeneDx Variant Classification Process June 2021. Collection method: clinical testing. Allele origin: germline. Affected: yes.
Comment: In silico analysis supports that this missense variant does not alter protein structure/function; Has not been previously published as pathogenic or benign to our knowledge

Mayo Clinic Laboratories, Mayo Clinic
Classification: Uncertain significance. Last evaluated: 2019-05-06. Review status: criteria provided, single submitter. Criteria: ACMG Guidelines, 2015. Collection method: clinical testing. Allele origin: germline. Observed: 1 variant allele.

Baylor Genetics
Classification: Uncertain significance for Cortical dysplasia-focal epilepsy syndrome. Last evaluated: 2018-02-12. Review status: criteria provided, single submitter. Criteria: ACMG Guidelines, 2015. Collection method: clinical testing. Allele origin: maternal. Affected: yes.
Comment: This variant was determined to be of uncertain significance according to ACMG Guidelines, 2015 [PMID:25741868].

Eurofins Ntd Llc (ga)
Classification: Uncertain significance. Last evaluated: 2014-08-20. Review status: criteria provided, single submitter. Criteria: EGL Classification Definitions 2015. Collection method: clinical testing. Allele origin: germline. Observed: 1 variant allele, 1 heterozygote.

Breakthrough Genomics
Classification: Uncertain significance. Review status: criteria provided, single submitter. Criteria: ACMG Guidelines, 2015. Collection method: not provided. Allele origin: germline. Inheritance: Autosomal recessive inheritance. Affected: yes.

Clinical Genetics DNA and cytogenetics Diagnostics Lab, Erasmus MC, Erasmus Medical Center
Classification: Likely benign. Review status: no assertion criteria provided. Collection method: clinical testing. Allele origin: germline. Affected: yes. Study: VKGL Data-share Consensus. Not counted in ClinVar's aggregate classification.

Genome Diagnostics Laboratory, University Medical Center Utrecht
Classification: Likely benign. Review status: no assertion criteria provided. Collection method: clinical testing. Allele origin: germline. Affected: yes. Study: VKGL Data-share Consensus. Not counted in ClinVar's aggregate classification.